The following is an entry in ClinVar:

ClinVar aggregate classification (germline): Uncertain significance. Review status: criteria provided, multiple submitters, no conflicts (2 of 4 stars). 3 submissions from 3 submitters: Uncertain significance (3). Last evaluated 2025-05-12.

Conditions:
Myopathy, proximal, and ophthalmoplegia (CMYO6). Also called: MYOPATHY WITH CONGENITAL JOINT CONTRACTURES, OPHTHALMOPLEGIA, AND RIMMED VACUOLES; INCLUSION BODY MYOPATHY 3, AUTOSOMAL DOMINANT; CONGENITAL MYOPATHY 6 WITH OPHTHALMOPLEGIA. Identifiers: Orphanet 363677, Orphanet 79091, MedGen C1854106, MONDO:0011577, OMIM 605637.
Inborn genetic diseases. Identifiers: MedGen C0950123, MeSH D030342.

Allele frequency attached by ClinVar (database versions not stated): ExAC 0.00001; gnomAD exomes 0.00001; ESP Exome Variant Server 0.00008.

Submissions (3):

Labcorp Genetics (formerly Invitae), Labcorp
Classification: Uncertain significance for Myopathy, proximal, and ophthalmoplegia. Last evaluated: 2025-05-12. Review status: criteria provided, single submitter. Criteria: Invitae Variant Classification Sherloc (09022015). Collection method: clinical testing. Allele origin: germline.
Comment: This sequence change replaces glutamic acid, which is acidic and polar, with lysine, which is basic and polar, at codon 1373 of the MYH2 protein (p.Glu1373Lys). This variant is present in population databases (rs374190003, gnomAD 0.007%). This variant has not been reported in the literature in individuals affected with MYH2-related conditions. ClinVar contains an entry for this variant (Variation ID: 1512396). Invitae Evidence Modeling of protein sequence and biophysical properties (such as structural, functional, and spatial information, amino acid conservation, physicochemical variation, residue mobility, and thermodynamic stability) indicates that this missense variant is not expected to disrupt MYH2 protein function with a negative predictive value of 80%. In summary, the available evidence is currently insufficient to determine the role of this variant in disease. Therefore, it has been classified as a Variant of Uncertain Significance.

Ambry Genetics
Classification: Uncertain significance for Inborn genetic diseases. Last evaluated: 2023-05-23. Review status: criteria provided, single submitter. Criteria: Ambry Variant Classification Scheme 2023. Collection method: clinical testing. Allele origin: germline.

Revvity Omics, Revvity
Classification: Uncertain significance for Myopathy, proximal, and ophthalmoplegia. Last evaluated: 2019-07-26. Review status: criteria provided, single submitter. Criteria: ACMG Guidelines, 2015. Collection method: clinical testing. Allele origin: germline.

NM_017534.6(MYH2):c.4117G>A (p.Glu1373Lys)

Genes: MYH2 (myosin heavy chain 2; minus strand), MYHAS (myosin heavy chain gene cluster antisense RNA; plus strand). Cytogenetic location: 17p13.1.
Variant type: single nucleotide variant.
Coding change: c.4117G>A on transcript NM_017534.6 (MANE Select); coding-DNA position 4117, G replaced by A.
Protein change: p.Glu1373Lys; replaces glutamic acid 1373 with lysine.
Molecular consequence: missense variant.
Genome position (GRCh38, 1-based): chr17:10,526,669, C>T on the plus strand (G>A on the coding strand, the complement: MYH2 is on the minus strand). VCF-style: chr17-10526669-C-T. GRCh37 (hg19) VCF-style: chr17-10429986-C-T.
Other names: c.4117G>A (NM_017534.5); c.4117G>A, p.Glu1373Lys (NM_001100112.2); short protein forms E1373K.
Identifiers: ClinVar variation 1512396 (VCV001512396.12), dbSNP rs374190003, ClinGen allele CA8390724.